The following is an entry in ClinVar:

NM_020987.5(ANK3):c.8582C>T (p.Thr2861Ile)

Gene: ANK3 (ankyrin 3; minus strand). Cytogenetic location: 10q21.2.
Variant type: single nucleotide variant.
Coding change: c.8582C>T on transcript NM_020987.5 (MANE Select); coding-DNA position 8582, C replaced by T.
Protein change: p.Thr2861Ile; replaces threonine 2861 with isoleucine.
Molecular consequence: missense variant. On other transcripts: intron variant (4).
Genome position (GRCh38, 1-based): chr10:60,072,299, G>A on the plus strand (C>T on the coding strand, the complement: ANK3 is on the minus strand). VCF-style: chr10-60072299-G-A. GRCh37 (hg19) VCF-style: chr10-61832057-G-A.
Other names: c.4388-4290C>T (NM_001204403.2); c.4409-4290C>T (NM_001204404.2); c.4406-4290C>T (NM_001320874.2); c.1808-4290C>T (NM_001149.4); short protein forms T2861I.
Identifiers: ClinVar variation 1346528 (VCV001346528.8), dbSNP rs748998872, ClinGen allele CA5511526.
Genomic context (GRCh38, chr10:60,072,299, plus strand): 5'-TTCTCTCTTACATCATGAACAAGTACATGCGAAAGTTTTTCTTTCTGAGACTTATTGTTA[G>A]TGGCTCCCGAACTCTCCCATGTTCTAAAGACCTTTTTGTCCCATGGTCCCCTAGTTGCTA-3'
Protein context (NP_066267.2, residues 2851-2871): VFRTWESSGA[Thr2861Ile]NNKSQKEKLS

ClinVar aggregate classification (germline): Uncertain significance (1 of 4 stars; one submission).

Allele frequency attached by ClinVar (database versions not stated): ExAC 0.00001; gnomAD exomes 0.00001.
gnomAD v4.1: 4 of 1,614,062 alleles (0.00025%); highest among the groups gnomAD compares: Non-Finnish European, 0.00034%; no homozygotes.

Submission:

Labcorp Genetics (formerly Invitae), Labcorp
Classification: Uncertain significance. Last evaluated: 2025-10-02. Review status: criteria provided, single submitter. Criteria: Invitae Variant Classification Sherloc (09022015). Collection method: clinical testing. Allele origin: germline.
Comment: This sequence change replaces threonine, which is neutral and polar, with isoleucine, which is neutral and non-polar, at codon 2861 of the ANK3 protein (p.Thr2861Ile). This variant is present in population databases (rs748998872, gnomAD 0.0009%). This variant has not been reported in the literature in individuals affected with ANK3-related conditions. ClinVar contains an entry for this variant (Variation ID: 1346528). Invitae Evidence Modeling of protein sequence and biophysical properties (such as structural, functional, and spatial information, amino acid conservation, physicochemical variation, residue mobility, and thermodynamic stability) indicates that this missense variant is not expected to disrupt ANK3 protein function with a negative predictive value of 80%. In summary, the available evidence is currently insufficient to determine the role of this variant in disease. Therefore, it has been classified as a Variant of Uncertain Significance.